The following is an entry in ClinVar:

NM_001283009.2(RTEL1):c.206C>T (p.Ala69Val)

Genes: RTEL1 (regulator of telomere elongation helicase 1; plus strand), RTEL1-TNFRSF6B (RTEL1-TNFRSF6B readthrough (NMD candidate); plus strand). Cytogenetic location: 20q13.33.
Variant type: single nucleotide variant.
Coding change: c.206C>T on transcript NM_001283009.2 (MANE Select); coding-DNA position 206, C replaced by T.
Protein change: p.Ala69Val; replaces alanine 69 with valine.
Molecular consequence: missense variant. On other transcripts: non-coding transcript variant (1), 5 prime UTR variant (1).
Genome position (GRCh38, 1-based): chr20:63,661,401, C>T. VCF-style: chr20-63661401-C-T. GRCh37 (hg19) VCF-style: chr20-62292754-C-T.
Other names: c.-464C>T (NM_001283010.1); c.206C>T, p.Ala69Val (NM_016434.4, NM_032957.5); short protein forms A69V.
Identifiers: ClinVar variation 4863625 (VCV004863625.1).

ClinVar aggregate classification (germline): Uncertain significance (1 of 4 stars; one submission).

Conditions:
Inborn genetic diseases. Identifiers: MedGen C0950123, MeSH D030342.

Submission:

Ambry Genetics
Classification: Uncertain significance for Inborn genetic diseases. Last evaluated: 2026-06-14. Review status: criteria provided, single submitter. Criteria: Ambry Variant Classification Scheme 2023. Collection method: clinical testing. Allele origin: germline.
Comment: The p.A69V variant (also known as c.206C>T), located in coding exon 2 of the RTEL1 gene, results from a C to T substitution at nucleotide position 206. The alanine at codon 69 is replaced by valine, an amino acid with similar properties. This amino acid position is conserved. In addition, this alteration is predicted to be tolerated by in silico analysis. Based on the available evidence, the clinical significance of this variant remains unclear.